The following is an entry in ClinVar:

ClinVar aggregate classification (germline): Uncertain significance. Review status: criteria provided, multiple submitters, no conflicts (2 of 4 stars). 3 submissions from 3 submitters: Uncertain significance (3). Last evaluated 2026-03-31.

Conditions:
Cardiovascular phenotype. Identifiers: MedGen CN230736.
Sitosterolemia 2. Identifiers: MedGen C5231453, MONDO:0020748, OMIM 618666.
ABCG5-related disorder. Also called: ABCG5-related condition.

gnomAD v4.1: 36 of 1,614,094 alleles (0.0022%); highest among the groups gnomAD compares: East Asian, 0.038%; no homozygotes.

Submissions (3):

Ambry Genetics
Classification: Uncertain significance for Cardiovascular phenotype. Last evaluated: 2026-03-31. Review status: criteria provided, single submitter. Criteria: Ambry Variant Classification Scheme 2023. Collection method: clinical testing. Allele origin: germline.
Comment: The p.I512T variant (also known as c.1535T>C), located in coding exon 11 of the ABCG5 gene, results from a T to C substitution at nucleotide position 1535. The isoleucine at codon 512 is replaced by threonine, an amino acid with similar properties. This amino acid position is not well conserved in available vertebrate species. In addition, this alteration is predicted to be tolerated by in silico analysis. Based on the available evidence, the clinical significance of this variant remains unclear.

PreventionGenetics, part of Exact Sciences
Classification: Uncertain significance for ABCG5-related condition. Last evaluated: 2024-11-02. Review status: criteria provided, single submitter. Criteria: ACMG Guidelines, 2015. Collection method: clinical testing. Allele origin: germline.
Comment: The ABCG5 c.1535T>C variant is predicted to result in the amino acid substitution p.Ile512Thr. This variant was reported as a variant of uncertain significance in a targeted sequencing panel aimed at genetic determinants of dyslipidemia and metabolic disorders (Dron et al. 2020. PubMed ID: 32041611). This variant is reported in 0.033% of alleles in individuals of East Asian descent in gnomAD. At this time, the clinical significance of this variant is uncertain due to the absence of conclusive functional and genetic evidence.

Revvity Omics, Revvity
Classification: Uncertain significance for Sitosterolemia 2. Last evaluated: 2024-09-09. Review status: criteria provided, single submitter. Criteria: ACMG Guidelines, 2015. Collection method: clinical testing. Allele origin: germline.

NM_022436.3(ABCG5):c.1535T>C (p.Ile512Thr)

Genes: ABCG5 (ATP binding cassette subfamily G member 5; minus strand), DYNC2LI1 (dynein cytoplasmic 2 light intermediate chain 1; plus strand). Cytogenetic location: 2p21.
Variant type: single nucleotide variant.
Coding change: c.1535T>C on transcript NM_022436.3 (MANE Select); coding-DNA position 1535, T replaced by C.
Protein change: p.Ile512Thr; replaces isoleucine 512 with threonine.
Molecular consequence: missense variant. On other transcripts: intron variant (2).
Genome position (GRCh38, 1-based): chr2:43,820,029, A>G on the plus strand (T>C on the coding strand, the complement: ABCG5 is on the minus strand). VCF-style: chr2-43820029-A-G. GRCh37 (hg19) VCF-style: chr2-44047168-A-G.
Other names: c.*16-7357A>G (NM_001348913.2, NM_001348912.2); c.1535T>C (NM_022436.2); short protein forms I512T.
Identifiers: ClinVar variation 4077800 (VCV004077800.3).